The following is an entry in ClinVar:

NM_172362.3(KCNH1):c.2947A>G (p.Arg983Gly)

Gene: KCNH1 (potassium voltage-gated channel subfamily H member 1; minus strand). Cytogenetic location: 1q32.2.
Variant type: single nucleotide variant.
Coding change: c.2947A>G on transcript NM_172362.3 (MANE Select); coding-DNA position 2947, A replaced by G.
Protein change: p.Arg983Gly; replaces arginine 983 with glycine.
Molecular consequence: missense variant.
Genome position (GRCh38, 1-based): chr1:210,683,304, T>C on the plus strand (A>G on the coding strand, the complement: KCNH1 is on the minus strand). VCF-style: chr1-210683304-T-C. GRCh37 (hg19) VCF-style: chr1-210856646-T-C.
Other names: c.2866A>G, p.Arg956Gly (NM_002238.4); short protein forms R956G, R983G.
Identifiers: ClinVar variation 2810562 (VCV002810562.3), dbSNP rs769883770, ClinGen allele CA344870083.

ClinVar aggregate classification (germline): Uncertain significance (1 of 4 stars; one submission).

Allele frequency attached by ClinVar (database versions not stated): TOPMed below 0.00001.

Submission:

Labcorp Genetics (formerly Invitae), Labcorp
Classification: Uncertain significance. Last evaluated: 2024-04-15. Review status: criteria provided, single submitter. Criteria: Invitae Variant Classification Sherloc (09022015). Collection method: clinical testing. Allele origin: germline.
Comment: This sequence change replaces arginine, which is basic and polar, with glycine, which is neutral and non-polar, at codon 983 of the KCNH1 protein (p.Arg983Gly). This variant is not present in population databases (gnomAD no frequency). This variant has not been reported in the literature in individuals affected with KCNH1-related conditions. Advanced modeling of protein sequence and biophysical properties (such as structural, functional, and spatial information, amino acid conservation, physicochemical variation, residue mobility, and thermodynamic stability) has been performed at Invitae for this missense variant, however the output from this modeling did not meet the statistical confidence thresholds required to predict the impact of this variant on KCNH1 protein function. In summary, the available evidence is currently insufficient to determine the role of this variant in disease. Therefore, it has been classified as a Variant of Uncertain Significance.